The following is an entry in ClinVar:

NM_001270974.2(HYDIN):c.2981T>A (p.Met994Lys)

Gene: HYDIN (HYDIN axonemal central pair apparatus protein; minus strand). Cytogenetic location: 16q22.2.
Variant type: single nucleotide variant.
Coding change: c.2981T>A on transcript NM_001270974.2 (MANE Select); coding-DNA position 2981, T replaced by A.
Protein change: p.Met994Lys; replaces methionine 994 with lysine.
Molecular consequence: missense variant.
Genome position (GRCh38, 1-based): chr16:71,027,663, A>T on the plus strand (T>A on the coding strand, the complement: HYDIN is on the minus strand). VCF-style: chr16-71027663-A-T. GRCh37 (hg19) VCF-style: chr16-71061566-A-T.
Other names: c.2981T>A, p.Met994Lys (NM_017558.5); short protein forms M994K.
Identifiers: ClinVar variation 3778485 (VCV003778485.7).

ClinVar aggregate classification (germline): Uncertain significance (1 of 4 stars; one submission).

Submission:

CeGaT Center for Human Genetics Tuebingen
Classification: Uncertain significance. Last evaluated: 2025-03-01. Review status: criteria provided, single submitter. Criteria: CeGaT Center For Human Genetics Tuebingen Variant Classification Criteria Version 2. Collection method: clinical testing. Allele origin: germline. Affected: yes. Observed: 1 variant allele.
Comment: HYDIN: PM2